The following is an entry in ClinVar:

NM_000426.4(LAMA2):c.5593C>T (p.Pro1865Ser)

Gene: LAMA2 (laminin subunit alpha 2; plus strand). Cytogenetic location: 6q22.33.
Variant type: single nucleotide variant.
Coding change: c.5593C>T on transcript NM_000426.4 (MANE Select); coding-DNA position 5593, C replaced by T.
Protein change: p.Pro1865Ser; replaces proline 1865 with serine.
Molecular consequence: missense variant.
Genome position (GRCh38, 1-based): chr6:129,402,354, C>T. VCF-style: chr6-129402354-C-T. GRCh37 (hg19) VCF-style: chr6-129723499-C-T.
Other names: c.5593C>T, p.Pro1865Ser (NM_001079823.2); short protein forms P1865S.
Identifiers: ClinVar variation 656982 (VCV000656982.7), dbSNP rs563638833, ClinGen allele CA3993933.
Genomic context (GRCh38, chr6:129,402,354, plus strand): 5'-GCTTAAAATGCCCTCTTCTCTACATATCAGTATGTTGAAGACATCCAAACTAAATTGCCA[C>T]CTATGTCTGAGGAGCTTAATGATAAAATAGATGACCTCTCCCAAGAAATAAAGGACAGGA-3'
Protein context (NP_000417.3, residues 1855-1875): YVEDIQTKLP[Pro1865Ser]MSEELNDKID

ClinVar aggregate classification (germline): Uncertain significance. Review status: criteria provided, multiple submitters, no conflicts (2 of 4 stars). 4 submissions from 4 submitters: Uncertain significance (4). Last evaluated 2024-12-03.

Conditions:
Muscular dystrophy, limb-girdle, autosomal recessive 23. Identifiers: Orphanet 565837, MedGen C4748327, MONDO:0029136, OMIM 618138.
Merosin deficient congenital muscular dystrophy (MDC1A). Also called: Congenital merosin-deficient muscular dystrophy 1A; Congenital Muscular Dystrophy Type 1A (MDC1A). Identifiers: Orphanet 258, MedGen C1263858, MONDO:0011925, OMIM 607855.
Inborn genetic diseases. Identifiers: MedGen C0950123, MeSH D030342.
LAMA2-related muscular dystrophy (LAMA2-RD). Also called: Laminin alpha 2-related dystrophy. Identifiers: MedGen C5679788, MONDO:0100228.

Allele frequency attached by ClinVar (database versions not stated): gnomAD exomes 0.00002 and 0.00001; ExAC 0.00002; TOPMed below 0.00001; gnomAD 0.00001; 1000 Genomes Project 30x 0.00031; 1000 Genomes Project 0.00040.
gnomAD v4.1: 11 of 1,613,992 alleles (0.00068%); highest among the groups gnomAD compares: South Asian, 0.0099%; no homozygotes.

Submissions (4):

Revvity Omics, Revvity
Classification: Uncertain significance. Last evaluated: 2024-12-03. Review status: criteria provided, single submitter. Criteria: ACMG Guidelines, 2015. Collection method: clinical testing. Allele origin: germline.

Labcorp Genetics (formerly Invitae), Labcorp
Classification: Uncertain significance for LAMA2-related muscular dystrophy. Last evaluated: 2022-02-03. Review status: criteria provided, single submitter. Criteria: Invitae Variant Classification Sherloc (09022015). Collection method: clinical testing. Allele origin: germline.
Comment: This sequence change replaces proline, which is neutral and non-polar, with serine, which is neutral and polar, at codon 1865 of the LAMA2 protein (p.Pro1865Ser). This variant is present in population databases (rs563638833, gnomAD 0.02%). This variant has not been reported in the literature in individuals affected with LAMA2-related conditions. ClinVar contains an entry for this variant (Variation ID: 656982). Advanced modeling of protein sequence and biophysical properties (such as structural, functional, and spatial information, amino acid conservation, physicochemical variation, residue mobility, and thermodynamic stability) performed at Invitae indicates that this missense variant is not expected to disrupt LAMA2 protein function. In summary, the available evidence is currently insufficient to determine the role of this variant in disease. Therefore, it has been classified as a Variant of Uncertain Significance.

Ambry Genetics
Classification: Uncertain significance for Inborn genetic diseases. Last evaluated: 2021-08-13. Review status: criteria provided, single submitter. Criteria: Ambry Variant Classification Scheme 2023. Collection method: clinical testing. Allele origin: germline.

Fulgent Genetics
Classification: Uncertain significance for Merosin deficient congenital muscular dystrophy; Muscular dystrophy, limb-girdle, autosomal recessive 23. Last evaluated: 2021-07-09. Review status: criteria provided, single submitter. Criteria: ACMG Guidelines, 2015. Collection method: clinical testing. Allele origin: unknown.